The following is an entry in ClinVar:

ClinVar aggregate classification (germline): Pathogenic (1 of 4 stars; one submission).

Conditions:
Duchenne muscular dystrophy (DMD). Also called: Duchenne Muscular Dystrophy (DMD); MUSCULAR DYSTROPHY, PSEUDOHYPERTROPHIC PROGRESSIVE, DUCHENNE TYPE. Identifiers: Orphanet 98896, MedGen C0013264, MONDO:0010679, OMIM 310200.

Submission:

Labcorp Genetics (formerly Invitae), Labcorp
Classification: Pathogenic for Duchenne muscular dystrophy. Last evaluated: 2022-02-20. Review status: criteria provided, single submitter. Criteria: Invitae Variant Classification Sherloc (09022015). Collection method: clinical testing. Allele origin: germline.
Comment: For these reasons, this variant has been classified as Pathogenic. A similar copy number variant has been observed in individual(s) with DMD-related dystrophinopathy (PMID: 18055393). This variant is a gross deletion of the genomic region encompassing exon(s) 1-30 of the DMD gene, which includes the initiator codon. This deletion extends beyond the assayed region for this gene and therefore may encompass additional genes. It is expected to result in an absent or disrupted protein product. Loss-of-function variants in DMD are known to be pathogenic (PMID: 16770791, 25007885).

Literature cited by the submitters: PubMed 18055393; PubMed 16770791; PubMed 25007885.

NC_000023.10:g.(?_32429849)_(33229429_?)del

Gene: DMD (dystrophin; minus strand). Cytogenetic location: Xp21.1.
Variant type: Deletion.
Identifiers: ClinVar variation 1459704 (VCV001459704.6).